The following is an entry in ClinVar:

ClinVar aggregate classification (germline): Uncertain significance (1 of 4 stars; one submission).

gnomAD v4.1: 1 of 1,511,202 alleles (0.000066%); highest among the groups gnomAD compares: Non-Finnish European, 0.000089%; no homozygotes.

Submission:

Labcorp Genetics (formerly Invitae), Labcorp
Classification: Uncertain significance. Last evaluated: 2024-05-23. Review status: criteria provided, single submitter. Criteria: Invitae Variant Classification Sherloc (09022015). Collection method: clinical testing. Allele origin: germline.
Comment: This sequence change replaces glutamic acid, which is acidic and polar, with valine, which is neutral and non-polar, at codon 4 of the AQP5 protein (p.Glu4Val). This variant is present in population databases (no rsID available, gnomAD 0.001%). This variant has not been reported in the literature in individuals affected with AQP5-related conditions. An algorithm developed to predict the effect of missense changes on protein structure and function (PolyPhen-2) suggests that this variant is likely to be disruptive. In summary, the available evidence is currently insufficient to determine the role of this variant in disease. Therefore, it has been classified as a Variant of Uncertain Significance.

NM_001651.4(AQP5):c.11A>T (p.Glu4Val)

Genes: AQP5 (aquaporin 5; plus strand), AQP5-AS1 (AQP5 and AQP2 antisense RNA 2; minus strand). Cytogenetic location: 12q13.12.
Variant type: single nucleotide variant.
Coding change: c.11A>T on transcript NM_001651.4 (MANE Select); coding-DNA position 11, A replaced by T.
Protein change: p.Glu4Val; replaces glutamic acid 4 with valine.
Molecular consequence: missense variant.
Genome position (GRCh38, 1-based): chr12:49,962,028, A>T. VCF-style: chr12-49962028-A-T. GRCh37 (hg19) VCF-style: chr12-50355811-A-T.
Other names: short protein forms E4V.
Identifiers: ClinVar variation 3691356 (VCV003691356.2).